The following is an entry in ClinVar:

ClinVar aggregate classification (germline): Uncertain significance (1 of 4 stars; one submission).

Conditions:
Inborn genetic diseases. Identifiers: MedGen C0950123, MeSH D030342.

Submission:

Ambry Genetics
Classification: Uncertain significance for Inborn genetic diseases. Last evaluated: 2026-04-20. Review status: criteria provided, single submitter. Criteria: Ambry Variant Classification Scheme 2023. Collection method: clinical testing. Allele origin: germline.
Comment: The p.R844P variant (also known as c.2531G>C), located in coding exon 26 of the RTEL1 gene, results from a G to C substitution at nucleotide position 2531. The arginine at codon 844 is replaced by proline, an amino acid with dissimilar properties. This amino acid position is conserved. In addition, this alteration is predicted to be tolerated by in silico analysis. Based on the available evidence, the clinical significance of this variant remains unclear.

NM_001283009.2(RTEL1):c.2531G>C (p.Arg844Pro)

Genes: RTEL1 (regulator of telomere elongation helicase 1; plus strand), RTEL1-TNFRSF6B (RTEL1-TNFRSF6B readthrough (NMD candidate); plus strand). Cytogenetic location: 20q13.33.
Variant type: single nucleotide variant.
Coding change: c.2531G>C on transcript NM_001283009.2 (MANE Select); coding-DNA position 2531, G replaced by C.
Protein change: p.Arg844Pro; replaces arginine 844 with proline.
Molecular consequence: missense variant. On other transcripts: non-coding transcript variant (1).
Genome position (GRCh38, 1-based): chr20:63,690,922, G>C. VCF-style: chr20-63690922-G-C. GRCh37 (hg19) VCF-style: chr20-62322275-G-C.
Other names: c.1862G>C, p.Arg621Pro (NM_001283010.1); c.2531G>C, p.Arg844Pro (NM_016434.4); c.2603G>C, p.Arg868Pro (NM_032957.5); short protein forms R621P, R844P, R868P.
Identifiers: ClinVar variation 4863563 (VCV004863563.1).